The following is an entry in ClinVar:

ClinVar aggregate classification (germline): Uncertain significance. Review status: criteria provided, multiple submitters, no conflicts (2 of 4 stars). 2 submissions from 2 submitters: Uncertain significance (2). Last evaluated 2025-01-21.

Conditions:
Inborn genetic diseases. Identifiers: MedGen C0950123, MeSH D030342.
Nephronophthisis 18 (NPHP18). Identifiers: Orphanet 655, MedGen C3890591, MONDO:0014374, OMIM 615862.

Allele frequency attached by ClinVar (database versions not stated): ExAC 0.00002; gnomAD 0.00002; gnomAD exomes 0.00004 and 0.00007; TOPMed 0.00007.
gnomAD v4.1: 27 of 1,613,932 alleles (0.0017%); highest among the groups gnomAD compares: Admixed American, 0.043%; 1 homozygote.

Submissions (2):

Ambry Genetics
Classification: Uncertain significance for Inborn genetic diseases. Last evaluated: 2025-01-21. Review status: criteria provided, single submitter. Criteria: Ambry Variant Classification Scheme 2023. Collection method: clinical testing. Allele origin: germline.

Labcorp Genetics (formerly Invitae), Labcorp
Classification: Uncertain significance for Nephronophthisis 18. Last evaluated: 2024-11-05. Review status: criteria provided, single submitter. Criteria: Invitae Variant Classification Sherloc (09022015). Collection method: clinical testing. Allele origin: germline.
Comment: This sequence change replaces alanine, which is neutral and non-polar, with valine, which is neutral and non-polar, at codon 243 of the CEP83 protein (p.Ala243Val). This variant is present in population databases (rs747518082, gnomAD 0.05%), including at least one homozygous and/or hemizygous individual. This variant has not been reported in the literature in individuals affected with CEP83-related conditions. ClinVar contains an entry for this variant (Variation ID: 1518922). Invitae Evidence Modeling of protein sequence and biophysical properties (such as structural, functional, and spatial information, amino acid conservation, physicochemical variation, residue mobility, and thermodynamic stability) indicates that this missense variant is not expected to disrupt CEP83 protein function with a negative predictive value of 80%. In summary, the available evidence is currently insufficient to determine the role of this variant in disease. Therefore, it has been classified as a Variant of Uncertain Significance.

NM_016122.3(CEP83):c.728C>T (p.Ala243Val)

Gene: CEP83 (centrosomal protein 83; minus strand). Cytogenetic location: 12q22.
Variant type: single nucleotide variant.
Coding change: c.728C>T on transcript NM_016122.3 (MANE Select); coding-DNA position 728, C replaced by T.
Protein change: p.Ala243Val; replaces alanine 243 with valine.
Molecular consequence: missense variant. On other transcripts: non-coding transcript variant (3).
Genome position (GRCh38, 1-based): chr12:94,378,864, G>A on the plus strand (C>T on the coding strand, the complement: CEP83 is on the minus strand). VCF-style: chr12-94378864-G-A. GRCh37 (hg19) VCF-style: chr12-94772640-G-A.
Other names: c.728C>T, p.Ala243Val (NM_001042399.2, NM_001346457.2, NM_001346460.2 and 3 more transcripts); c.416C>T, p.Ala139Val (NM_001346458.2, NM_001346459.2, NM_001346462.2 and 2 more transcripts); c.503C>T, p.Ala168Val (NM_001368041.1); c.191C>T, p.Ala64Val (NM_001368042.1); c.728C>T (NM_016122.2); short protein forms A168V, A64V, A139V, A243V.
Identifiers: ClinVar variation 1518922 (VCV001518922.5), dbSNP rs747518082, ClinGen allele CA6721858.